The following is an entry in ClinVar:

NM_024537.4(CARS2):c.1318-18C>T

Gene: CARS2 (cysteinyl-tRNA synthetase 2, mitochondrial; minus strand). Cytogenetic location: 13q34.
Variant type: single nucleotide variant.
Coding change: c.1318-18C>T on transcript NM_024537.4 (MANE Select); 18 bases into the intron before coding-DNA position 1318, C replaced by T.
Molecular consequence: intron variant. On other transcripts: non-coding transcript variant (1).
Genome position (GRCh38, 1-based): chr13:110,644,501, G>A on the plus strand (C>T on the coding strand, the complement: CARS2 is on the minus strand). VCF-style: chr13-110644501-G-A. GRCh37 (hg19) VCF-style: chr13-111296848-G-A.
Other names: c.532-18C>T (NM_001352252.2).
Identifiers: ClinVar variation 384563 (VCV000384563.10), dbSNP rs185912329, ClinGen allele CA7051820.

ClinVar aggregate classification (germline): Likely benign. Review status: criteria provided, multiple submitters, no conflicts (2 of 4 stars). 3 submissions from 3 submitters: Likely benign (3). Last evaluated 2026-01-26.

Conditions:
Combined oxidative phosphorylation defect type 27. Also called: Combined oxidative phosphorylation deficiency 27. Identifiers: Orphanet 477774, MedGen C5567608, MONDO:0014728, OMIM 616672.

Allele frequency attached by ClinVar (database versions not stated): ESP Exome Variant Server 0.00008; ExAC 0.00033; TOPMed 0.00033; gnomAD 0.00034 and 0.00036; gnomAD exomes 0.00037; 1000 Genomes Project 30x 0.00047; 1000 Genomes Project 0.00060.
gnomAD v4.1: 1,188 of 1,613,534 alleles (0.074%); highest among the groups gnomAD compares: Non-Finnish European, 0.093%; 1 homozygote.

Submissions (3):

Labcorp Genetics (formerly Invitae), Labcorp
Classification: Likely benign for Combined oxidative phosphorylation defect type 27. Last evaluated: 2026-01-26. Review status: criteria provided, single submitter. Criteria: Invitae Variant Classification Sherloc (09022015). Collection method: clinical testing. Allele origin: germline.

Blueprint Genetics
Classification: Likely benign. Last evaluated: 2024-10-28. Review status: criteria provided, single submitter. Criteria: ACMG Guidelines, 2015. Collection method: clinical testing. Allele origin: germline.

GeneDx
Classification: Likely benign. Last evaluated: 2017-04-06. Review status: criteria provided, single submitter. Criteria: GeneDx Variant Classification (06012015). Collection method: clinical testing. Allele origin: germline. Affected: yes.
Comment: This variant is considered likely benign or benign based on one or more of the following criteria: it is a conservative change, it occurs at a poorly conserved position in the protein, it is predicted to be benign by multiple in silico algorithms, and/or has population frequency not consistent with disease.